The following is an entry in ClinVar:

ClinVar aggregate classification (germline): Conflicting classifications of pathogenicity. Review status: criteria provided, conflicting classifications (1 of 4 stars). 6 submissions from 6 submitters: Pathogenic (1); Uncertain significance (3); Likely benign (1). 1 of the submissions does not count toward it. Last evaluated 2025-02-24.

Conditions:
Ullrich congenital muscular dystrophy 1A. Also called: Ullrich congenital muscular dystrophy 1; Intermediate COL6-RD. Identifiers: Orphanet 75840, MedGen C0410179, MONDO:0009681, OMIM 254090.
Bethlem myopathy 1A. Also called: Bethlem myopathy 1; Bethlem Muscular Dystrophy; MYOPATHY, BENIGN CONGENITAL, WITH CONTRACTURES. Identifiers: Orphanet 610, MedGen CN029274, MONDO:0024530, OMIM 158810.

Allele frequency attached by ClinVar (database versions not stated): TOPMed 0.00002; ExAC 0.00008; gnomAD exomes 0.00008 and 0.00010; 1000 Genomes Project 30x 0.00016; gnomAD 0.00016; 1000 Genomes Project 0.00020.
gnomAD v4.1: 75 of 1,613,344 alleles (0.0046%); highest among the groups gnomAD compares: East Asian, 0.0022%; no homozygotes.

Submissions (7):

Labcorp Genetics (formerly Invitae), Labcorp
Classification: Likely benign for Bethlem myopathy 1A. Last evaluated: 2025-02-24. Review status: criteria provided, single submitter. Criteria: Invitae Variant Classification Sherloc (09022015). Collection method: clinical testing. Allele origin: germline.

Kariminejad - Najmabadi Pathology & Genetics Center
Classification: Uncertain significance for Bethlem myopathy 1A. Last evaluated: 2024-08-03. Review status: criteria provided, single submitter. Criteria: ACMG Guidelines, 2015. Collection method: clinical testing. Allele origin: germline. Inheritance: Autosomal recessive inheritance. Affected: yes.
Comment: PM2,PP3,PS3-supp,PM3-supp

Blueprint Genetics
Classification: Uncertain significance. Last evaluated: 2023-03-06. Review status: criteria provided, single submitter. Criteria: ACMG Guidelines, 2015. Collection method: clinical testing. Allele origin: germline.

Department of Clinical Genetics, Copenhagen University Hospital, Rigshospitalet
Classification: Pathogenic for Ullrich congenital muscular dystrophy 1A. Last evaluated: 2023-02-09. Review status: criteria provided, single submitter. Criteria: ACMG Guidelines, 2015. Collection method: clinical testing. Allele origin: unknown. Inheritance: Autosomal recessive inheritance. Affected: yes. Observed: 3 variant alleles, 3 homozygotes. Clinical features observed: Nocturnal hypoventilation (HP:0002877), Scoliosis (HP:0002650), Distal joint hypermobility (HP:0020152), Flexion contracture (HP:0001371), Proximal muscle weakness (HP:0003701), Phrynoderma (HP:0007502).
Comment: The variant has been reported in three unrelated, turkish patients (in homozygosity) with collagen-VI-related dystrophies. The variant were absent in homozygosity in large population studies, but has fairly high frequency in heterozygosity (gnomAD). The aberrant splicing was verified by cDNA analysis and nanopore sequencing showing that the variant induced aberrant splicing leading to a frameshift and loss of function. The RNA analysis was in line with immunocytochemistry studies of patient-derived skin fibroblasts demonstrating impaired secretion of collagen VI into the extracellular matrix.

Eurofins Ntd Llc (ga)
Classification: Uncertain significance. Last evaluated: 2017-06-15. Review status: criteria provided, single submitter. Criteria: EGL Classification Definitions 2015. Collection method: clinical testing. Allele origin: germline. Observed: 1 variant allele, 1 heterozygote.

Solve-RD Consortium
Classification: Likely pathogenic for Bethlem myopathy 1A. Last evaluated: 2022-06-01. Review status: no assertion criteria provided. Collection method: provider interpretation. Allele origin: inherited. Affected: yes. Not counted in ClinVar's aggregate classification.
Comment: Variant confirmed as disease-causing by referring clinical team

Variant identified during reanalysis of unsolved cases by the Solve-RD project. The Solve-RD project has received funding from the European Union’s Horizon 2020 research and innovation programme under grant agreement No 779257.

Dr. Peter K. Rogan Lab, Western University
No classification provided (evidence only). Condition: Squamous cell carcinoma of the head and neck. Review status: no classification provided. Collection method: in vitro. Allele origin: not applicable. Functional consequence: retained intron. Not counted in ClinVar's aggregate classification.

Literature cited by the submitters: PubMed 39825153 (cited by Solve-RD Consortium).

NM_001848.3(COL6A1):c.1741-6G>A

Gene: COL6A1 (collagen type VI alpha 1 chain; plus strand). Cytogenetic location: 21q22.3.
Variant type: single nucleotide variant.
Coding change: c.1741-6G>A on transcript NM_001848.3 (MANE Select); 6 bases into the intron before coding-DNA position 1741, G replaced by A.
Molecular consequence: intron variant.
Genome position (GRCh38, 1-based): chr21:45,999,651, G>A. VCF-style: chr21-45999651-G-A. GRCh37 (hg19) VCF-style: chr21-47419565-G-A.
Identifiers: ClinVar variation 502579 (VCV000502579.23), dbSNP rs200334019, ClinGen allele CA10070532.